The following is an entry in ClinVar:

ClinVar aggregate classification (germline): Uncertain significance (1 of 4 stars; one submission).

Conditions:
Cardiovascular phenotype. Identifiers: MedGen CN230736.

gnomAD v4.1: 1 of 1,606,266 alleles (0.000062%); highest among the groups gnomAD compares: African/African-American, 0.0013%; no homozygotes.

Submission:

Ambry Genetics
Classification: Uncertain significance for Cardiovascular phenotype. Last evaluated: 2019-10-29. Review status: criteria provided, single submitter. Criteria: Ambry Variant Classification Scheme 2023. Collection method: clinical testing. Allele origin: germline.
Comment: The p.A6324V variant (also known as c.18971C>T), located in coding exon 75 of the TTN gene, results from a C to T substitution at nucleotide position 18971. The alanine at codon 6324 is replaced by valine, an amino acid with similar properties. This amino acid position is highly conserved in available vertebrate species. In addition, this alteration is predicted to be tolerated by in silico analysis. Since supporting evidence is limited at this time, the clinical significance of this alteration remains unclear.

NM_001267550.2(TTN):c.46166C>T (p.Ala15389Val)

Gene: TTN (titin; minus strand). Cytogenetic location: 2q31.2.
Variant type: single nucleotide variant.
Coding change: c.46166C>T on transcript NM_001267550.2 (MANE Select); coding-DNA position 46166, C replaced by T.
Protein change: p.Ala15389Val; replaces alanine 15389 with valine.
Molecular consequence: missense variant.
Genome position (GRCh38, 1-based): chr2:178,620,355, G>A on the plus strand (C>T on the coding strand, the complement: TTN is on the minus strand). VCF-style: chr2-178620355-G-A. GRCh37 (hg19) VCF-style: chr2-179485082-G-A.
Other names: c.41243C>T, p.Ala13748Val (NM_001256850.1); c.18971C>T, p.Ala6324Val (NM_003319.4); c.38462C>T, p.Ala12821Val (NM_133378.4); c.19346C>T, p.Ala6449Val (NM_133432.3); c.19547C>T, p.Ala6516Val (NM_133437.4); short protein forms A6516V, A12821V, A6324V, A13748V, A15389V, A6449V.
Identifiers: ClinVar variation 1782169 (VCV001782169.2), dbSNP rs1194841721, ClinGen allele CA349629024.
Genomic context (GRCh38, chr2:178,620,355, plus strand): 5'-ACAGCGTCATCGAACTCAGTGACTGTCTGATCTTCCAAGTGTTCCACAAATTCTGTCGGG[G>A]CTTCTATGATGAGAAGCTCAGCAACAGATTTATCTTGTCCAGCAGTGACAATGTATTCAC-3'
Protein context (NP_001254479.2, residues 15379-15399): KSVAELLIIE[Ala15389Val]PTEFVEHLED